The following is an entry in ClinVar:

NM_198525.3(KIF7):c.3862G>T (p.Gly1288Trp)

Gene: KIF7 (kinesin family member 7; minus strand). Cytogenetic location: 15q26.1.
Variant type: single nucleotide variant.
Coding change: c.3862G>T on transcript NM_198525.3 (MANE Select); coding-DNA position 3862, G replaced by T.
Protein change: p.Gly1288Trp; replaces glycine 1288 with tryptophan.
Molecular consequence: missense variant.
Genome position (GRCh38, 1-based): chr15:89,628,589, C>A on the plus strand (G>T on the coding strand, the complement: KIF7 is on the minus strand). VCF-style: chr15-89628589-C-A. GRCh37 (hg19) VCF-style: chr15-90171820-C-A.
Other names: short protein forms G1288W.
Identifiers: ClinVar variation 3898782 (VCV003898782.1).
Genomic context (GRCh38, chr15:89,628,589, plus strand): 5'-GAAGCACCCGCCCCACCAGGGGCTCAGCCGCCTCCCGCTGCCTCAGTTCCTCGGGGGACC[C>A]CTGCTCCTCACCACACAGGCTCGAGCGTTTCCAGGTCAAGGGTAACGGAGCGTGGACCAA-3'
Protein context (NP_940927.2, residues 1278-1298): KRSSLCGEEQ[Gly1288Trp]SPEELRQREA

ClinVar aggregate classification (germline): Uncertain significance (1 of 4 stars; one submission).

gnomAD v4.1: 1 of 1,613,522 alleles (0.000062%); highest among the groups gnomAD compares: Non-Finnish European, 0.000085%; no homozygotes.

Submission:

GeneDx
Classification: Uncertain significance. Last evaluated: 2024-11-12. Review status: criteria provided, single submitter. Criteria: GeneDx Variant Classification Process June 2021. Collection method: clinical testing. Allele origin: germline. Affected: yes.
Comment: Not observed at significant frequency in large population cohorts (gnomAD); In silico analysis supports that this missense variant has a deleterious effect on protein structure/function; Has not been previously published as pathogenic or benign to our knowledge